The following is an entry in ClinVar:

NM_000302.4(PLOD1):c.1379G>C (p.Ser460Thr)

Gene: PLOD1 (procollagen-lysine,2-oxoglutarate 5-dioxygenase 1; plus strand). Cytogenetic location: 1p36.22.
Variant type: single nucleotide variant.
Coding change: c.1379G>C on transcript NM_000302.4 (MANE Select); coding-DNA position 1379, G replaced by C.
Protein change: p.Ser460Thr; replaces serine 460 with threonine.
Molecular consequence: missense variant.
Genome position (GRCh38, 1-based): chr1:11,964,694, G>C. VCF-style: chr1-11964694-G-C. GRCh37 (hg19) VCF-style: chr1-12024751-G-C.
Other names: c.1520G>C, p.Ser507Thr (NM_001316320.2); short protein forms S460T, S507T.
Identifiers: ClinVar variation 3420933 (VCV003420933.1).

ClinVar aggregate classification (germline): Uncertain significance (1 of 4 stars; one submission).

Conditions:
Familial thoracic aortic aneurysm and aortic dissection (TAAD). Also called: Thoracic aortic aneurysms and dissections. Identifiers: Orphanet 91387, MedGen C4707243, MONDO:0019625.

Submission:

Ambry Genetics
Classification: Uncertain significance for Familial thoracic aortic aneurysm and aortic dissection. Last evaluated: 2024-10-14. Review status: criteria provided, single submitter. Criteria: Ambry Variant Classification Scheme 2023. Collection method: clinical testing. Allele origin: germline.
Comment: The p.S460T variant (also known as c.1379G>C), located in coding exon 13 of the PLOD1 gene, results from a G to C substitution at nucleotide position 1379. The serine at codon 460 is replaced by threonine, an amino acid with similar properties. This amino acid position is conserved. In addition, this alteration is predicted to be tolerated by in silico analysis. Based on the available evidence, the clinical significance of this variant remains unclear.